The following is an entry in ClinVar:

ClinVar aggregate classification (germline): Uncertain significance (1 of 4 stars; one submission).

Conditions:
Muscular dystrophy-dystroglycanopathy (congenital with brain and eye anomalies), type A9. Also called: WALKER-WARBURG SYNDROME OR MUSCLE-EYE BRAIN DISEASE, DAG1-RELATED; Muscular dystrophy-dystroglycanopathy (congenital with brain and eye anomalies), type a, 9. Identifiers: Orphanet 370997, Orphanet 899, MedGen C4225291, MONDO:0014683, OMIM 616538.
Autosomal recessive limb-girdle muscular dystrophy type 2P. Also called: MUSCULAR DYSTROPHY-DYSTROGLYCANOPATHY, LIMB-GIRDLE, DAG1-RELATED; Limb-Girdle Muscular Dystrophy Type 9C; MUSCULAR DYSTROPHY, LIMB-GIRDLE, TYPE 2P. Identifiers: Orphanet 280333, MedGen C4511963, MONDO:0013440, OMIM 613818.

Submission:

Labcorp Genetics (formerly Invitae), Labcorp
Classification: Uncertain significance for Autosomal recessive limb-girdle muscular dystrophy type 2P; Muscular dystrophy-dystroglycanopathy (congenital with brain and eye anomalies), type A9. Last evaluated: 2021-07-12. Review status: criteria provided, single submitter. Criteria: Invitae Variant Classification Sherloc (09022015). Collection method: clinical testing. Allele origin: germline.
Comment: This variant, c.954_959del, results in the deletion of 2 amino acid(s) of the DAG1 protein (p.Thr319_Pro320del), but otherwise preserves the integrity of the reading frame. This variant is not present in population databases (ExAC no frequency). This variant has not been reported in the literature in individuals affected with DAG1-related conditions. Experimental studies and prediction algorithms are not available or were not evaluated, and the functional significance of this variant is currently unknown. In summary, the available evidence is currently insufficient to determine the role of this variant in disease. Therefore, it has been classified as a Variant of Uncertain Significance.

NM_004393.6(DAG1):c.954_959del (p.317TP[1])

Gene: DAG1 (dystroglycan 1; plus strand). Cytogenetic location: 3p21.31.
Variant type: Deletion.
Coding change: c.954_959del on transcript NM_004393.6 (MANE Select); coding-DNA positions 954 to 959, 6 bases deleted (CACACC; older notation c.954_959delCACACC).
Protein change: p.317TP[1].
Molecular consequence: inframe deletion.
Genome position (GRCh38, 1-based): chr3:49,531,465-49,531,470, CACACC deleted; deleting any 6 consecutive bases within chr3:49,531,460-49,531,470 gives the same sequence; the c. name uses the placement nearest the transcript's 3' end. VCF-style (leftmost placement, unchanged base first): chr3-49531459-TACACCC-T. GRCh37 (hg19) VCF-style: chr3-49568892-TACACCC-T.
Other names: c.954_959del, p.317TP[1] (NM_001165928.4, NM_001177634.3, NM_001177635.3 and 9 more transcripts).
Identifiers: ClinVar variation 1366887 (VCV001366887.9), dbSNP rs2107931254, ClinGen allele CA2573137183.